The following is an entry in ClinVar:

ClinVar aggregate classification (germline): Uncertain significance. Review status: criteria provided, multiple submitters, no conflicts (2 of 4 stars). 3 submissions from 3 submitters: Uncertain significance (3). Last evaluated 2024-08-06.

Conditions:
Christianson syndrome (MRXSCH). Also called: X-linked mental retardation, syndromic, Christianson type; INTELLECTUAL DEVELOPMENTAL DISORDER, X-LINKED, SYNDROMIC, CHRISTIANSON TYPE; SLC9A6-Related Syndromic Mental Retardation. Identifiers: Orphanet 85278, MedGen C2678194, MONDO:0010278, OMIM 300243.
Neurodevelopmental disorder. Identifiers: MedGen C1535926, MeSH D065886, MONDO:0700092.

Allele frequency attached by ClinVar (database versions not stated): gnomAD 0.00001; TOPMed 0.00001.
gnomAD v4.1: 11 of 1,093,375 alleles (0.001%); highest among the groups gnomAD compares: Non-Finnish European, 0.0013%; no homozygotes.

Submissions (3):

GeneDx
Classification: Uncertain significance. Last evaluated: 2024-08-06. Review status: criteria provided, single submitter. Criteria: GeneDx Variant Classification Process June 2021. Collection method: clinical testing. Allele origin: germline. Affected: yes.
Comment: Initiation codon variant in a gene for which loss of function is not a known mechanism of disease; Not observed at significant frequency in large population cohorts (gnomAD); This variant is associated with the following publications: (PMID: Kavanaugh[article]2023)

Laboratory of Molecular Genetics (Pr. Bezieau's lab), CHU de Nantes
Classification: Uncertain significance for Neurodevelopmental disorder. Last evaluated: 2020-09-16. Review status: criteria provided, single submitter. Criteria: ACMG Guidelines, 2015. Collection method: clinical testing. Allele origin: germline. Affected: yes.

Labcorp Genetics (formerly Invitae), Labcorp
Classification: Uncertain significance for Christianson syndrome. Last evaluated: 2020-03-02. Review status: criteria provided, single submitter. Criteria: Invitae Variant Classification Sherloc (09022015). Collection method: clinical testing. Allele origin: germline.
Comment: In summary, the available evidence is currently insufficient to determine the role of this variant in disease. Therefore, it has been classified as a Variant of Uncertain Significance. This variant has not been reported in the literature in individuals with SLC9A6-related conditions. The frequency data for this variant in the population databases is considered unreliable, as metrics indicate insufficient coverage at this position in the ExAC database. This sequence change affects the initiator methionine of the SLC9A6 mRNA. The next in-frame methionine is located at codon 25.

NM_001379110.1(SLC9A6):c.-57+26A>G

Genes: SLC9A6 (solute carrier family 9 member A6; plus strand), LOC130068746 (ATAC-STARR-seq lymphoblastoid silent region 21025; plus strand). Cytogenetic location: Xq26.3.
Variant type: single nucleotide variant.
Coding change: c.-57+26A>G on transcript NM_001379110.1 (MANE Select); 26 bases into the intron after 57 bases upstream of the start codon, A replaced by G.
Molecular consequence: intron variant. On other transcripts: missense variant (2), initiator codon variant (2).
Genome position (GRCh38, 1-based): chrX:135,985,503, A>G. VCF-style: chrX-135985503-A-G. GRCh37 (hg19) VCF-style: chrX-135067662-A-G.
Other names: c.1A>G, p.Met1Val (NM_001042537.2, NM_006359.3); c.-57+26A>G (NM_001177651.2); c.-57+31A>G (NM_001330652.2); short protein forms M1V.
Identifiers: ClinVar variation 853911 (VCV000853911.12), dbSNP rs782640388, ClinGen allele CA414606320.